The following is an entry in ClinVar:

NM_005751.5(AKAP9):c.4483C>G (p.Gln1495Glu)

Gene: AKAP9 (A-kinase anchoring protein 9; plus strand). Cytogenetic location: 7q21.2.
Variant type: single nucleotide variant.
Coding change: c.4483C>G on transcript NM_005751.5 (MANE Select); coding-DNA position 4483, C replaced by G.
Protein change: p.Gln1495Glu; replaces glutamine 1495 with glutamic acid.
Molecular consequence: missense variant.
Genome position (GRCh38, 1-based): chr7:92,038,563, C>G. VCF-style: chr7-92038563-C-G. GRCh37 (hg19) VCF-style: chr7-91667877-C-G.
Other names: c.4483C>G, p.Gln1495Glu (NM_147185.3); short protein forms Q1495E.
Identifiers: ClinVar variation 4869113 (VCV004869113.1).
Genomic context (GRCh38, chr7:92,038,563, plus strand): 5'-AAGCAAGCACATGCTGTGTGTCAGCAAGAACAACATTATTTTAATGAAATGAAATTATCA[C>G]AGGATCAAATTGGTTTTCAGACTTTTGAGACAGTGGATGTGAAATTTAAAGAAGAATTTA-3'
Protein context (NP_005742.4, residues 1485-1505): QHYFNEMKLS[Gln1495Glu]DQIGFQTFET

ClinVar aggregate classification (germline): Uncertain significance (1 of 4 stars; one submission).

Conditions:
Cardiovascular phenotype. Identifiers: MedGen CN230736.

Submission:

Ambry Genetics
Classification: Uncertain significance for Cardiovascular phenotype. Last evaluated: 2026-06-01. Review status: criteria provided, single submitter. Criteria: Ambry Variant Classification Scheme 2023. Collection method: clinical testing. Allele origin: germline.
Comment: The p.Q1495E variant (also known as c.4483C>G), located in coding exon 17 of the AKAP9 gene, results from a C to G substitution at nucleotide position 4483. The glutamine at codon 1495 is replaced by glutamic acid, an amino acid with highly similar properties. This amino acid position is conserved. In addition, this alteration is predicted to be tolerated by in silico analysis. Based on the available evidence, the clinical significance of this variant remains unclear.